The following is an entry in ClinVar:

NM_001077653.2(TBX20):c.71T>C (p.Met24Thr)

Gene: TBX20 (T-box transcription factor 20; minus strand). Cytogenetic location: 7p14.2.
Variant type: single nucleotide variant.
Coding change: c.71T>C on transcript NM_001077653.2 (MANE Select); coding-DNA position 71, T replaced by C.
Protein change: p.Met24Thr; replaces methionine 24 with threonine.
Molecular consequence: missense variant.
Genome position (GRCh38, 1-based): chr7:35,253,550, A>G on the plus strand (T>C on the coding strand, the complement: TBX20 is on the minus strand). VCF-style: chr7-35253550-A-G. GRCh37 (hg19) VCF-style: chr7-35293161-A-G.
Other names: c.71T>C, p.Met24Thr (NM_001166220.1); short protein forms M24T.
Identifiers: ClinVar variation 5019257 (VCV005019257.2).

ClinVar aggregate classification (germline): Uncertain significance (1 of 4 stars; one submission).

Conditions:
Atrial septal defect 4 (ASD4). Identifiers: Orphanet 1478, MedGen C1969657, MONDO:0012654, OMIM 611363.

Submission:

Juno Genomics, Hangzhou Juno Genomics, Inc
Classification: Uncertain significance for Atrial septal defect 4. Review status: criteria provided, single submitter. Criteria: ACMG Guidelines, 2015. Collection method: clinical testing. Allele origin: germline.
Comment: Absent from controls (or at extremely low frequency if recessive) in Genome Aggregation Database.;Multiple lines of computational evidence support a deleterious effect on the gene or gene product.